The following is an entry in ClinVar:

NM_144687.4(NLRP12):c.2910_2911delinsTT (p.Arg971Ter)

Gene: NLRP12 (NLR family pyrin domain containing 12; minus strand). Cytogenetic location: 19q13.42.
Variant type: Indel.
Coding change: c.2910_2911delinsTT on transcript NM_144687.4 (MANE Select); coding-DNA positions 2910 to 2911, CA replaced by TT.
Protein change: p.Arg971Ter; replaces arginine 971 with a stop codon.
Molecular consequence: nonsense. On other transcripts: intron variant (1).
Genome position (GRCh38, 1-based): chr19:53,798,259-53,798,260, TG replaced by AA on the plus strand (CA replaced by TT on the coding strand, the reverse complement: NLRP12 is on the minus strand). VCF-style: chr19-53798259-TG-AA. GRCh37 (hg19) VCF-style: chr19-54301513-TG-AA.
Other names: c.2913_2914delinsTT, p.Arg972Ter (NM_001277126.2); c.2757-2231_2757-2230delinsTT (NM_001277129.1); short protein forms R972*, R971*.
Identifiers: ClinVar variation 2016637 (VCV002016637.4), dbSNP rs2514232095, ClinGen allele CA2580097745.

ClinVar aggregate classification (germline): Uncertain significance (1 of 4 stars; one submission).

Conditions:
Familial cold autoinflammatory syndrome 2 (FCAS2). Identifiers: Orphanet 247868, MedGen C2673198, MONDO:0012724, OMIM 611762.

Submission:

Labcorp Genetics (formerly Invitae), Labcorp
Classification: Uncertain significance for Familial cold autoinflammatory syndrome 2. Last evaluated: 2023-12-11. Review status: criteria provided, single submitter. Criteria: Invitae Variant Classification Sherloc (09022015). Collection method: clinical testing. Allele origin: germline.
Comment: This sequence change creates a premature translational stop signal (p.Arg971*) in the NLRP12 gene. It is expected to result in an absent or disrupted protein product. However, the current clinical and genetic evidence is not sufficient to establish whether loss-of-function variants in NLRP12 cause disease. Information on the frequency of this variant in the gnomAD database is not available, as this variant may be reported differently in the database. This variant has not been reported in the literature in individuals affected with NLRP12-related conditions. ClinVar contains an entry for this variant (Variation ID: 2016637). In summary, the available evidence is currently insufficient to determine the role of this variant in disease. Therefore, it has been classified as a Variant of Uncertain Significance.